The following is an entry in ClinVar:

ClinVar aggregate classification (germline): Likely benign. Review status: criteria provided, multiple submitters, no conflicts (2 of 4 stars). 7 submissions from 7 submitters: Likely benign (3). 4 of the submissions do not count toward it. Last evaluated 2024-11-01.

Allele frequency attached by ClinVar (database versions not stated): ExAC 0.00180; ESP Exome Variant Server 0.00354; 1000 Genomes Project 30x 0.00453; 1000 Genomes Project 0.00479; gnomAD 0.00498 and 0.00531.

Submissions (7):

Blueprint Genetics
Classification: Likely benign. Last evaluated: 2024-11-01. Review status: criteria provided, single submitter. Criteria: ACMG Guidelines, 2015. Collection method: clinical testing. Allele origin: germline.

GeneDx
Classification: Likely benign. Last evaluated: 2018-10-19. Review status: criteria provided, single submitter. Criteria: GeneDx Variant Classification Process June 2021. Collection method: clinical testing. Allele origin: germline. Affected: yes.
Comment: See Variant Classification Assertion Criteria.

Breakthrough Genomics
Classification: Likely benign. Review status: criteria provided, single submitter. Criteria: ACMG Guidelines, 2015. Collection method: not provided. Allele origin: germline. Inheritance: Autosomal dominant inheritance. Affected: yes.

Clinical Genetics DNA and cytogenetics Diagnostics Lab, Erasmus MC, Erasmus Medical Center
Classification: Benign. Review status: no assertion criteria provided. Collection method: clinical testing. Allele origin: germline. Affected: yes. Study: VKGL Data-share Consensus. Not counted in ClinVar's aggregate classification.

Clinical Genetics, Academic Medical Center
Classification: Benign. Review status: no assertion criteria provided. Collection method: clinical testing. Allele origin: germline. Affected: yes. Study: VKGL Data-share Consensus. Not counted in ClinVar's aggregate classification.

Diagnostic Laboratory, Department of Genetics, University Medical Center Groningen
Classification: Likely benign. Review status: no assertion criteria provided. Collection method: clinical testing. Allele origin: germline. Affected: yes. Study: VKGL Data-share Consensus. Not counted in ClinVar's aggregate classification.

Genome Diagnostics Laboratory, University Medical Center Utrecht
Classification: Benign. Review status: no assertion criteria provided. Collection method: clinical testing. Allele origin: germline. Affected: yes. Study: VKGL Data-share Consensus. Not counted in ClinVar's aggregate classification.

NM_024408.4(NOTCH2):c.456C>T (p.Pro152=)

Gene: NOTCH2 (notch receptor 2; minus strand). Cytogenetic location: 1p12.
Variant type: single nucleotide variant.
Coding change: c.456C>T on transcript NM_024408.4 (MANE Select); coding-DNA position 456, C replaced by T.
Protein change: p.Pro152=; no amino-acid change (proline 152 retained).
Molecular consequence: synonymous variant.
Genome position (GRCh38, 1-based): chr1:119,997,292, G>A on the plus strand (C>T on the coding strand, the complement: NOTCH2 is on the minus strand). VCF-style: chr1-119997292-G-A. GRCh37 (hg19) VCF-style: chr1-120539915-G-A.
Other names: c.456C>T, p.Pro152= (NM_001200001.2).
Identifiers: ClinVar variation 1175011 (VCV001175011.10), dbSNP rs143287927, ClinGen allele CA1040835.